The following is an entry in ClinVar:

NM_001042492.3(NF1):c.587-2A>T

Gene: NF1 (neurofibromin 1; plus strand). Cytogenetic location: 17q11.2.
Variant type: single nucleotide variant.
Coding change: c.587-2A>T on transcript NM_001042492.3 (MANE Select); the canonical splice acceptor site of the intron before coding-DNA position 587, A replaced by T.
Molecular consequence: splice acceptor variant.
Genome position (GRCh38, 1-based): chr17:31,181,420, A>T. VCF-style: chr17-31181420-A-T. GRCh37 (hg19) VCF-style: chr17-29508438-A-T.
Other names: c.587-2A>T (NM_000267.4, NM_001128147.3).
Identifiers: ClinVar variation 373342 (VCV000373342.5), dbSNP rs1057518360, ClinGen allele CA16043013.
Genomic context (GRCh38, chr17:31,181,420, plus strand): 5'-TCTGAGTTGTATTTGTGTTAACTTATTCTAGAGTTAATTTTTAAAAATTGTGTTTTTTCC[A>T]GAAACAGCATTTAAATTTAAAGCCCTAAAGAAGGTTGCGCAGTTAGCAGTTATAAATAGC-3'

ClinVar aggregate classification (germline): Pathogenic/Likely pathogenic. Review status: criteria provided, multiple submitters, no conflicts (2 of 4 stars). 3 submissions from 3 submitters: Pathogenic (2); Likely pathogenic (1). Last evaluated 2025-08-11.

Conditions:
Neurofibromatosis, type 1 (NF1). Also called: NEUROFIBROMATOSIS, TYPE I, SOMATIC; VON RECKLINGHAUSEN DISEASE; Peripheral type neurofibromatosis; Neurofibromatosis, type I. Identifiers: Orphanet 636, MedGen C0027831, MONDO:0018975, OMIM 162200. Disease mechanism: loss of function.
Hereditary cancer-predisposing syndrome. Also called: Tumor predisposition; Hereditary Cancer Syndrome; Hereditary neoplastic syndrome; Neoplastic Syndromes, Hereditary. Identifiers: Orphanet 140162, MedGen C0027672, MeSH D009386, MONDO:0015356.
Cardiovascular phenotype. Identifiers: MedGen CN230736.

Submissions (3):

Ambry Genetics
Classification: Likely pathogenic for Cardiovascular phenotype; Hereditary cancer-predisposing syndrome. Last evaluated: 2025-08-11. Review status: criteria provided, single submitter. Criteria: Ambry Variant Classification Scheme 2023. Collection method: clinical testing. Allele origin: germline.
Comment: The c.587-2A>T intronic variant results from an A to T substitution two nucleotides upstream from coding exon 6 in the NF1 gene. This variant is considered to be rare based on population cohorts in the Genome Aggregation Database (gnomAD). This nucleotide position is highly conserved in available vertebrate species. In silico splice site analysis predicts that this alteration will weaken the native splice acceptor site and will result in the creation or strengthening of a novel splice acceptor site. Alterations that disrupt the canonical splice site are expected to cause aberrant splicing, resulting in an abnormal protein or a transcript that is subject to nonsense-mediated mRNA decay. As such, this alteration is classified as likely pathogenic.

Labcorp Genetics (formerly Invitae), Labcorp
Classification: Pathogenic for Neurofibromatosis, type 1. Last evaluated: 2024-06-04. Review status: criteria provided, single submitter. Criteria: Invitae Variant Classification Sherloc (09022015). Collection method: clinical testing. Allele origin: germline.
Comment: This sequence change affects an acceptor splice site in intron 5 of the NF1 gene. It is expected to disrupt RNA splicing. Variants that disrupt the donor or acceptor splice site typically lead to a loss of protein function (PMID: 16199547), and loss-of-function variants in NF1 are known to be pathogenic (PMID: 10712197, 23913538). This variant is not present in population databases (gnomAD no frequency). Disruption of this splice site has been observed in individual(s) with neurofibromatosis type 1 (Invitae). ClinVar contains an entry for this variant (Variation ID: 373342). Algorithms developed to predict the effect of sequence changes on RNA splicing suggest that this variant may disrupt the consensus splice site. For these reasons, this variant has been classified as Pathogenic.

GeneDx
Classification: Pathogenic. Last evaluated: 2016-11-21. Review status: criteria provided, single submitter. Criteria: GeneDx Variant Classification (06012015). Collection method: clinical testing. Allele origin: germline. Affected: yes.
Comment: The c.587-2 A>T splice site variant in the NF1 gene destroys the canonical splice acceptor site in intron 5. It is predicted to cause abnormal gene splicing, either leading to an abnormal message that is subject to nonsense-mediated mRNA decay, or to an abnormal protein product if the message is used for protein translation. Additionally, the c.587-2 variant was not was not observed in approximately 6,400 individuals of European and African American ancestry in the NHLBI Exome Sequencing Project. Although this pathogenic variant has not been previously reported to our knowledge, its presence is consistent with a diagnosis of neurofibromatosis type 1.

Literature cited by the submitters: PubMed 16199547 (cited by Labcorp Genetics (formerly Invitae), Labcorp); PubMed 10712197 (cited by Labcorp Genetics (formerly Invitae), Labcorp); PubMed 23913538 (cited by Labcorp Genetics (formerly Invitae), Labcorp).